The following is an entry in ClinVar:

ClinVar aggregate classification (germline): Benign (1 of 4 stars; one submission).

Allele frequency attached by ClinVar (database versions not stated): 1000 Genomes Project 0.19469; 1000 Genomes Project 30x 0.20128; TOPMed 0.26915; gnomAD 0.28448 and 0.28672.
gnomAD v4.1: 39,902 of 140,116 alleles (28%); highest among the groups gnomAD compares: Admixed American, 42%; 6,128 homozygotes.

Submission:

GeneDx
Classification: Benign. Last evaluated: 2018-06-14. Review status: criteria provided, single submitter. Criteria: GeneDx Variant Classification (06012015). Collection method: clinical testing. Allele origin: germline. Affected: yes.
Comment: This variant is considered likely benign or benign based on one or more of the following criteria: it is a conservative change, it occurs at a poorly conserved position in the protein, it is predicted to be benign by multiple in silico algorithms, and/or has population frequency not consistent with disease.

NM_015631.6(TCTN3):c.1453-206C>G

Gene: TCTN3 (tectonic family member 3; minus strand). Cytogenetic location: 10q24.1.
Variant type: single nucleotide variant.
Coding change: c.1453-206C>G on transcript NM_015631.6 (MANE Select); 206 bases into the intron before coding-DNA position 1453, C replaced by G.
Molecular consequence: intron variant.
Genome position (GRCh38, 1-based): chr10:95,680,815, G>C on the plus strand (C>G on the coding strand, the complement: TCTN3 is on the minus strand). VCF-style: chr10-95680815-G-C. GRCh37 (hg19) VCF-style: chr10-97440572-G-C.
Other names: c.1009-206C>G (NM_001143973.2).
Identifiers: ClinVar variation 670229 (VCV000670229.1), dbSNP rs7072953, ClinGen allele CA13199823.